The following is an entry in ClinVar:

ClinVar aggregate classification (germline): Uncertain significance (1 of 4 stars; one submission).

Conditions:
Combined immunodeficiency due to ORAI1 deficiency. Also called: IMMUNODEFICIENCY 9. Identifiers: Orphanet 169090, Orphanet 317428, MedGen C2748568, MONDO:0013007, OMIM 612782.
Myopathy, tubular aggregate, 2 (TAM2). Identifiers: MedGen C4014557, MONDO:0014383, OMIM 615883.

Allele frequency attached by ClinVar (database versions not stated): gnomAD exomes below 0.00001; ExAC 0.00001.

Submission:

Labcorp Genetics (formerly Invitae), Labcorp
Classification: Uncertain significance for Myopathy, tubular aggregate, 2; Combined immunodeficiency due to ORAI1 deficiency. Last evaluated: 2023-09-06. Review status: criteria provided, single submitter. Criteria: Invitae Variant Classification Sherloc (09022015). Collection method: clinical testing. Allele origin: germline.
Comment: This variant is present in population databases (rs782615527, gnomAD 0.0009%). In summary, the available evidence is currently insufficient to determine the role of this variant in disease. Therefore, it has been classified as a Variant of Uncertain Significance. Experimental studies and prediction algorithms are not available or were not evaluated, and the functional significance of this variant is currently unknown. This variant has not been reported in the literature in individuals affected with ORAI1-related conditions. This sequence change replaces tryptophan, which is neutral and slightly polar, with arginine, which is basic and polar, at codon 176 of the ORAI1 protein (p.Trp176Arg).

NM_032790.4(ORAI1):c.526T>C (p.Trp176Arg)

Gene: ORAI1 (ORAI calcium release-activated calcium modulator 1; plus strand). Cytogenetic location: 12q24.31.
Variant type: single nucleotide variant.
Coding change: c.526T>C on transcript NM_032790.4 (MANE Select); coding-DNA position 526, T replaced by C.
Protein change: p.Trp176Arg; replaces tryptophan 176 with arginine.
Molecular consequence: missense variant. On other transcripts: non-coding transcript variant (1).
Genome position (GRCh38, 1-based): chr12:121,641,263, T>C. VCF-style: chr12-121641263-T-C. GRCh37 (hg19) VCF-style: chr12-122079169-T-C.
Other names: short protein forms W176R.
Identifiers: ClinVar variation 2951680 (VCV002951680.3), dbSNP rs782615527, ClinGen allele CA6837507.
Genomic context (GRCh38, chr12:121,641,263, plus strand): 5'-AATCTCAACTCGGTCAAGGAGTCCCCCCATGAGCGCATGCACCGCCACATCGAGCTGGCC[T>C]GGGCCTTCTCCACCGTCATCGGCACGCTGCTCTTCCTAGCTGAGGTGGTGCTGCTCTGCT-3'
Protein context (NP_116179.2, residues 166-186): ERMHRHIELA[Trp176Arg]AFSTVIGTLL